The following is an entry in ClinVar:

NM_001376.5(DYNC1H1):c.11C>T (p.Pro4Leu)

Gene: DYNC1H1 (dynein cytoplasmic 1 heavy chain 1; plus strand). Cytogenetic location: 14q32.31.
Variant type: single nucleotide variant.
Coding change: c.11C>T on transcript NM_001376.5 (MANE Select); coding-DNA position 11, C replaced by T.
Protein change: p.Pro4Leu; replaces proline 4 with leucine.
Molecular consequence: missense variant.
Genome position (GRCh38, 1-based): chr14:101,964,702, C>T. VCF-style: chr14-101964702-C-T. GRCh37 (hg19) VCF-style: chr14-102431039-C-T.
Other names: short protein forms P4L.
Identifiers: ClinVar variation 2910210 (VCV002910210.3), dbSNP rs2503643404, ClinGen allele CA391002894.

ClinVar aggregate classification (germline): Uncertain significance (1 of 4 stars; one submission).

Conditions:
Charcot-Marie-Tooth disease axonal type 2O. Also called: Charcot-Marie-Tooth Neuropathy Type 2O; CHARCOT-MARIE-TOOTH NEUROPATHY, AXONAL, TYPE 2O; CHARCOT-MARIE-TOOTH DISEASE, AXONAL, AUTOSOMAL DOMINANT, TYPE 2O; Charcot-Marie-Tooth disease, axonal, type 20. Identifiers: Orphanet 284232, MedGen C3280220, MONDO:0013644, OMIM 614228.

gnomAD v4.1: 4 of 1,593,772 alleles (0.00025%); highest among the groups gnomAD compares: Non-Finnish European, 0.00034%; no homozygotes.

Submission:

Labcorp Genetics (formerly Invitae), Labcorp
Classification: Uncertain significance for Charcot-Marie-Tooth disease axonal type 2O. Last evaluated: 2023-07-17. Review status: criteria provided, single submitter. Criteria: Invitae Variant Classification Sherloc (09022015). Collection method: clinical testing. Allele origin: germline.
Comment: In summary, the available evidence is currently insufficient to determine the role of this variant in disease. Therefore, it has been classified as a Variant of Uncertain Significance. Advanced modeling of protein sequence and biophysical properties (such as structural, functional, and spatial information, amino acid conservation, physicochemical variation, residue mobility, and thermodynamic stability) performed at Invitae indicates that this missense variant is not expected to disrupt DYNC1H1 protein function. This sequence change replaces proline, which is neutral and non-polar, with leucine, which is neutral and non-polar, at codon 4 of the DYNC1H1 protein (p.Pro4Leu). This variant is not present in population databases (gnomAD no frequency). This variant has not been reported in the literature in individuals affected with DYNC1H1-related conditions.